The following is an entry in ClinVar:

NM_013432.5(TONSL):c.1198C>T (p.Arg400Cys)

Gene: TONSL (tonsoku like, DNA repair protein; minus strand). Cytogenetic location: 8q24.3.
Variant type: single nucleotide variant.
Coding change: c.1198C>T on transcript NM_013432.5 (MANE Select); coding-DNA position 1198, C replaced by T.
Protein change: p.Arg400Cys; replaces arginine 400 with cysteine.
Molecular consequence: missense variant.
Genome position (GRCh38, 1-based): chr8:144,440,443, G>A on the plus strand (C>T on the coding strand, the complement: TONSL is on the minus strand). VCF-style: chr8-144440443-G-A. GRCh37 (hg19) VCF-style: chr8-145665826-G-A.
Other names: c.1198C>T (NM_013432.4); short protein forms R400C.
Identifiers: ClinVar variation 1487728 (VCV001487728.4), dbSNP rs141555983, ClinGen allele CA4943336.

ClinVar aggregate classification (germline): Uncertain significance. Review status: criteria provided, multiple submitters, no conflicts (2 of 4 stars). 2 submissions from 2 submitters: Uncertain significance (2). Last evaluated 2024-01-16.

Conditions:
Inborn genetic diseases. Identifiers: MedGen C0950123, MeSH D030342.

Allele frequency attached by ClinVar (database versions not stated): ExAC 0.00001; gnomAD exomes 0.00002; gnomAD 0.00005 and 0.00006; TOPMed 0.00005; ESP Exome Variant Server 0.00008.

Submissions (2):

Ambry Genetics
Classification: Uncertain significance for Inborn genetic diseases. Last evaluated: 2024-01-16. Review status: criteria provided, single submitter. Criteria: Ambry Variant Classification Scheme 2023. Collection method: clinical testing. Allele origin: germline.

Labcorp Genetics (formerly Invitae), Labcorp
Classification: Uncertain significance. Last evaluated: 2022-06-26. Review status: criteria provided, single submitter. Criteria: Invitae Variant Classification Sherloc (09022015). Collection method: clinical testing. Allele origin: germline.
Comment: This sequence change replaces arginine, which is basic and polar, with cysteine, which is neutral and slightly polar, at codon 400 of the TONSL protein (p.Arg400Cys). This variant is present in population databases (rs141555983, gnomAD 0.004%). This variant has not been reported in the literature in individuals affected with TONSL-related conditions. Algorithms developed to predict the effect of missense changes on protein structure and function are either unavailable or do not agree on the potential impact of this missense change (SIFT: "Tolerated"; PolyPhen-2: "Probably Damaging"; Align-GVGD: "Class C0"). In summary, the available evidence is currently insufficient to determine the role of this variant in disease. Therefore, it has been classified as a Variant of Uncertain Significance.